The following is an entry in ClinVar:

ClinVar aggregate classification (germline): Benign. Review status: criteria provided, multiple submitters, no conflicts (2 of 4 stars). 2 submissions from 2 submitters: Benign (2). Last evaluated 2018-01-12.

Conditions:
Mucopolysaccharidosis, MPS-IV-A (MPS4A). Also called: Mucopolysaccharidosis type IV A; Mucopolysaccharidosis Type IVA; Morquio syndrome A, mild; MORQUIO SYNDROME A; MPS IVA; mucopolysaccharidosis type 4A. Identifiers: Orphanet 309297, Orphanet 582, MedGen C0086651, MONDO:0009659, OMIM 253000.

Allele frequency attached by ClinVar (database versions not stated): gnomAD exomes 0.22060; gnomAD 0.26293 and 0.26432; TOPMed 0.27038; 1000 Genomes Project 30x 0.30824; 1000 Genomes Project 0.31410.
gnomAD v4.1: 41,344 of 156,244 alleles (26%); highest among the groups gnomAD compares: East Asian, 53%; 5,753 homozygotes.

Submissions (2):

Illumina Laboratory Services, Illumina
Classification: Benign for Mucopolysaccharidosis, MPS-IV-A. Last evaluated: 2018-01-12. Review status: criteria provided, single submitter. Criteria: ICSL Variant Classification Criteria 13 December 2019. Collection method: clinical testing. Allele origin: germline.
Comment: This variant was observed in the ICSL laboratory as part of a predisposition screen in an ostensibly healthy population. It had not been previously curated by ICSL or reported in the Human Gene Mutation Database (HGMD: prior to June 1st, 2018), and was therefore a candidate for classification through an automated scoring system. Utilizing variant allele frequency, disease prevalence and penetrance estimates, and inheritance mode, an automated score was calculated to assess if this variant is too frequent to cause the disease. Based on the score and internal cut-off values, a variant classified as benign is not then subjected to further curation. The score for this variant resulted in a classification of benign for this disease.

Breakthrough Genomics
Classification: Benign. Review status: criteria provided, single submitter. Criteria: ACMG Guidelines, 2015. Collection method: not provided. Allele origin: germline. Inheritance: Autosomal recessive inheritance. Affected: yes.

NM_000512.5(GALNS):c.*611A>G

Gene: GALNS (galactosamine (N-acetyl)-6-sulfatase; minus strand). Cytogenetic location: 16q24.3.
Variant type: single nucleotide variant.
Coding change: c.*611A>G on transcript NM_000512.5 (MANE Select); 611 bases downstream of the stop codon, A replaced by G.
Molecular consequence: 3 prime UTR variant.
Genome position (GRCh38, 1-based): chr16:88,813,828, T>C on the plus strand (A>G on the coding strand, the complement: GALNS is on the minus strand). VCF-style: chr16-88813828-T-C. GRCh37 (hg19) VCF-style: chr16-88880236-T-C.
Other names: c.*611A>G (NM_001323543.2, NM_001323544.2).
Identifiers: ClinVar variation 321170 (VCV000321170.7), dbSNP rs1135364, ClinGen allele CA10638661.